The following is an entry in ClinVar:

ClinVar aggregate classification (germline): Likely benign (1 of 4 stars; one submission).

Submission:

GeneDx
Classification: Likely benign. Last evaluated: 2016-09-07. Review status: criteria provided, single submitter. Criteria: GeneDx Variant Classification (06012015). Collection method: clinical testing. Allele origin: germline. Affected: yes.
Comment: This variant is considered likely benign or benign based on one or more of the following criteria: it is a conservative change, it occurs at a poorly conserved position in the protein, it is predicted to be benign by multiple in silico algorithms, and/or has population frequency not consistent with disease.

NM_015175.3(NBEAL2):c.3544-20C>A

Gene: NBEAL2 (neurobeachin like 2; plus strand). Cytogenetic location: 3p21.31.
Variant type: single nucleotide variant.
Coding change: c.3544-20C>A on transcript NM_015175.3 (MANE Select); 20 bases into the intron before coding-DNA position 3544, C replaced by A.
Molecular consequence: intron variant.
Genome position (GRCh38, 1-based): chr3:46,999,295, C>A. VCF-style: chr3-46999295-C-A. GRCh37 (hg19) VCF-style: chr3-47040785-C-A.
Other names: c.3442-20C>A (NM_001365116.2).
Identifiers: ClinVar variation 389271 (VCV000389271.1), dbSNP rs1057523382, ClinGen allele CA16604599.
Genomic context (GRCh38, chr3:46,999,295, plus strand): 5'-GCCACACACCTGCACGGTGACTTCCCCTCCTACAGTAACTCCTTCCACATGATGACAGTC[C>A]TCCGATGACCCCCACACAGATCCTGCGCAGACTGCAGCAGAATGAGCGGCTACCTGAGCG-3'